The following is an entry in ClinVar:

NM_022437.3(ABCG8):c.730G>T (p.Asp244Tyr)

Gene: ABCG8 (ATP binding cassette subfamily G member 8; plus strand). Cytogenetic location: 2p21.
Variant type: single nucleotide variant.
Coding change: c.730G>T on transcript NM_022437.3 (MANE Select); coding-DNA position 730, G replaced by T.
Protein change: p.Asp244Tyr; replaces aspartic acid 244 with tyrosine.
Molecular consequence: missense variant.
Genome position (GRCh38, 1-based): chr2:43,852,634, G>T. VCF-style: chr2-43852634-G-T. GRCh37 (hg19) VCF-style: chr2-44079773-G-T.
Other names: c.730G>T, p.Asp244Tyr (NM_001357321.2); short protein forms D244Y.
Identifiers: ClinVar variation 3632057 (VCV003632057.2).

ClinVar aggregate classification (germline): Uncertain significance (1 of 4 stars; one submission).

Submission:

Labcorp Genetics (formerly Invitae), Labcorp
Classification: Uncertain significance. Last evaluated: 2024-05-07. Review status: criteria provided, single submitter. Criteria: Invitae Variant Classification Sherloc (09022015). Collection method: clinical testing. Allele origin: germline.
Comment: This sequence change replaces aspartic acid, which is acidic and polar, with tyrosine, which is neutral and polar, at codon 244 of the ABCG8 protein (p.Asp244Tyr). This variant is present in population databases (rs776975830, gnomAD 0.0009%). This variant has not been reported in the literature in individuals affected with ABCG8-related conditions. Advanced modeling of protein sequence and biophysical properties (such as structural, functional, and spatial information, amino acid conservation, physicochemical variation, residue mobility, and thermodynamic stability) performed at Invitae indicates that this missense variant is expected to disrupt ABCG8 protein function with a positive predictive value of 80%. In summary, the available evidence is currently insufficient to determine the role of this variant in disease. Therefore, it has been classified as a Variant of Uncertain Significance.